The following is an entry in ClinVar:

NM_005219.5(DIAPH1):c.3148+6G>A

Gene: DIAPH1 (diaphanous related formin 1; minus strand). Cytogenetic location: 5q31.3.
Variant type: single nucleotide variant.
Coding change: c.3148+6G>A on transcript NM_005219.5 (MANE Select); 6 bases into the intron after coding-DNA position 3148, G replaced by A.
Molecular consequence: intron variant.
Genome position (GRCh38, 1-based): chr5:141,528,447, C>T on the plus strand (G>A on the coding strand, the complement: DIAPH1 is on the minus strand). VCF-style: chr5-141528447-C-T. GRCh37 (hg19) VCF-style: chr5-140908014-C-T.
Other names: c.3121+6G>A (NM_001079812.3); c.3148+6G>A (NM_001314007.2).
Identifiers: ClinVar variation 2942267 (VCV002942267.3), dbSNP rs2513624136, ClinGen allele CA2675689963.

ClinVar aggregate classification (germline): Uncertain significance (1 of 4 stars; one submission).

Conditions:
Progressive microcephaly-seizures-cortical blindness-developmental delay syndrome. Also called: Seizures, cortical blindness, and microcephaly syndrome. Identifiers: Orphanet 477814, MedGen C5567650, MONDO:0014714, OMIM 616632.
Autosomal dominant nonsyndromic hearing loss 1. Also called: KONIGSMARK SYNDROME; DEAFNESS, AUTOSOMAL DOMINANT 1, WITH OR WITHOUT THROMBOCYTOPENIA. Identifiers: Orphanet 90635, MedGen C1852282, MONDO:0007424, OMIM 124900.

Allele frequency attached by ClinVar (database versions not stated): gnomAD exomes below 0.00001.
gnomAD v4.1: 2 of 1,614,138 alleles (0.00012%); highest among the groups gnomAD compares: Non-Finnish European, 0.00017%; no homozygotes.

Submission:

Labcorp Genetics (formerly Invitae), Labcorp
Classification: Uncertain significance for Progressive microcephaly-seizures-cortical blindness-developmental delay syndrome; Autosomal dominant nonsyndromic hearing loss 1. Last evaluated: 2023-09-11. Review status: criteria provided, single submitter. Criteria: Invitae Variant Classification Sherloc (09022015). Collection method: clinical testing. Allele origin: germline.
Comment: This sequence change falls in intron 23 of the DIAPH1 gene. It does not directly change the encoded amino acid sequence of the DIAPH1 protein. It affects a nucleotide within the consensus splice site. This variant is not present in population databases (gnomAD no frequency). In summary, the available evidence is currently insufficient to determine the role of this variant in disease. Therefore, it has been classified as a Variant of Uncertain Significance. Variants that disrupt the consensus splice site are a relatively common cause of aberrant splicing (PMID: 17576681, 9536098). Algorithms developed to predict the effect of sequence changes on RNA splicing suggest that this variant is not likely to affect RNA splicing. This variant has not been reported in the literature in individuals affected with DIAPH1-related conditions.

Literature cited by the submitters: PubMed 17576681; PubMed 9536098.